The following is an entry in ClinVar:

NM_024408.4(NOTCH2):c.2720A>G (p.Asp907Gly)

Gene: NOTCH2 (notch receptor 2; minus strand). Cytogenetic location: 1p12.
Variant type: single nucleotide variant.
Coding change: c.2720A>G on transcript NM_024408.4 (MANE Select); coding-DNA position 2720, A replaced by G.
Protein change: p.Asp907Gly; replaces aspartic acid 907 with glycine.
Molecular consequence: missense variant.
Genome position (GRCh38, 1-based): chr1:119,948,446, T>C on the plus strand (A>G on the coding strand, the complement: NOTCH2 is on the minus strand). VCF-style: chr1-119948446-T-C. GRCh37 (hg19) VCF-style: chr1-120491069-T-C.
Other names: c.2720A>G, p.Asp907Gly (NM_001200001.2); short protein forms D907G.
Identifiers: ClinVar variation 3697860 (VCV003697860.2).

ClinVar aggregate classification (germline): Uncertain significance (1 of 4 stars; one submission).

Conditions:
Hajdu-Cheney syndrome (HJCYS). Also called: SERPENTINE FIBULA-POLYCYSTIC KIDNEY SYNDROME; Acroosteolysis dominant type; ACROOSTEOLYSIS WITH OSTEOPOROSIS AND CHANGES IN SKULL AND MANDIBLE. Identifiers: Orphanet 955, MedGen C0917715, MONDO:0007057, OMIM 102500.

gnomAD v4.1: 6 of 1,614,166 alleles (0.00037%); highest among the groups gnomAD compares: Admixed American, 0.0017%; no homozygotes.

Submission:

Labcorp Genetics (formerly Invitae), Labcorp
Classification: Uncertain significance for Hajdu-Cheney syndrome. Last evaluated: 2025-11-02. Review status: criteria provided, single submitter. Criteria: Invitae Variant Classification Sherloc (09022015). Collection method: clinical testing. Allele origin: germline.
Comment: This sequence change replaces aspartic acid, which is acidic and polar, with glycine, which is neutral and non-polar, at codon 907 of the NOTCH2 protein (p.Asp907Gly). This variant is not present in population databases (gnomAD no frequency). This variant has not been reported in the literature in individuals affected with NOTCH2-related conditions. ClinVar contains an entry for this variant (Variation ID: 3697860). Invitae Evidence Modeling of protein sequence and biophysical properties (such as structural, functional, and spatial information, amino acid conservation, physicochemical variation, residue mobility, and thermodynamic stability) indicates that this missense variant is not expected to disrupt NOTCH2 protein function with a negative predictive value of 80%. In summary, the available evidence is currently insufficient to determine the role of this variant in disease. Therefore, it has been classified as a Variant of Uncertain Significance.